The following is an entry in ClinVar:

ClinVar aggregate classification (germline): Likely pathogenic (1 of 4 stars; one submission).

Conditions:
Steel syndrome (STLS). Identifiers: Orphanet 438117, MedGen C3554594, MONDO:0014061, OMIM 615155.

Submission:

Juno Genomics, Hangzhou Juno Genomics, Inc
Classification: Likely pathogenic for Steel syndrome. Review status: criteria provided, single submitter. Criteria: ACMG Guidelines, 2015. Collection method: clinical testing. Allele origin: germline.
Comment: Null variant in a gene where loss of function (LOF) is a known mechanism of disease.;Absent from controls (or at extremely low frequency if recessive) in Genome Aggregation Database.

NM_032888.4(COL27A1):c.3616_3617del (p.Arg1206fs)

Gene: COL27A1 (collagen type XXVII alpha 1 chain; plus strand). Cytogenetic location: 9q32.
Variant type: Deletion.
Coding change: c.3616_3617del on transcript NM_032888.4 (MANE Select); coding-DNA positions 3616 to 3617, 2 bases deleted (AG; older notation c.3616_3617delAG).
Protein change: p.Arg1206fs; shifts the reading frame from arginine 1206.
Molecular consequence: frameshift variant.
Genome position (GRCh38, 1-based): chr9:114,275,667-114,275,668, AG deleted. VCF-style (leftmost placement, unchanged base first): chr9-114275666-CAG-C. GRCh37 (hg19) VCF-style: chr9-117037946-CAG-C.
Other names: short protein forms R1206fs.
Identifiers: ClinVar variation 5007377 (VCV005007377.2).